The following is an entry in ClinVar:

NM_006361.6(HOXB13):c.715A>C (p.Lys239Gln)

Gene: HOXB13 (homeobox B13; minus strand). Cytogenetic location: 17q21.32.
Variant type: single nucleotide variant.
Coding change: c.715A>C on transcript NM_006361.6 (MANE Select); coding-DNA position 715, A replaced by C.
Protein change: p.Lys239Gln; replaces lysine 239 with glutamine.
Molecular consequence: missense variant.
Genome position (GRCh38, 1-based): chr17:48,726,930, T>G on the plus strand (A>C on the coding strand, the complement: HOXB13 is on the minus strand). VCF-style: chr17-48726930-T-G. GRCh37 (hg19) VCF-style: chr17-46804292-T-G.
Other names: short protein forms K239Q.
Identifiers: ClinVar variation 3657372 (VCV003657372.2).
Genomic context (GRCh38, chr17:48,726,930, plus strand): 5'-GGCGCTCCGAGAGGCTGGTGGCTGCCGAGATCTTGCGCCTCTTGTCCTTGGTGATGAACT[T>G]GTTAGCCGCATACTCCCGCTCCAGCTCCCGCAACTGCCCCTTGCTGTACGGAATGCGTTT-3'
Protein context (NP_006352.2, residues 229-249): RELEREYAAN[Lys239Gln]FITKDKRRKI

ClinVar aggregate classification (germline): Uncertain significance (1 of 4 stars; one submission).

gnomAD v4.1: 3 of 1,613,890 alleles (0.00019%); highest among the groups gnomAD compares: South Asian, 0.0033%; no homozygotes.

Submission:

Labcorp Genetics (formerly Invitae), Labcorp
Classification: Uncertain significance. Last evaluated: 2024-06-22. Review status: criteria provided, single submitter. Criteria: Invitae Variant Classification Sherloc (09022015). Collection method: clinical testing. Allele origin: germline.
Comment: This sequence change replaces lysine, which is basic and polar, with glutamine, which is neutral and polar, at codon 239 of the HOXB13 protein (p.Lys239Gln). This variant is present in population databases (rs765973015, gnomAD 0.003%). This variant has not been reported in the literature in individuals affected with HOXB13-related conditions. Advanced modeling of protein sequence and biophysical properties (such as structural, functional, and spatial information, amino acid conservation, physicochemical variation, residue mobility, and thermodynamic stability) performed at Invitae indicates that this missense variant is not expected to disrupt HOXB13 protein function with a negative predictive value of 80%. In summary, the available evidence is currently insufficient to determine the role of this variant in disease. Therefore, it has been classified as a Variant of Uncertain Significance.